The following is an entry in ClinVar:

NM_004523.4(KIF11):c.2342A>G (p.Gln781Arg)

Gene: KIF11 (kinesin family member 11; plus strand). Cytogenetic location: 10q23.33.
Variant type: single nucleotide variant.
Coding change: c.2342A>G on transcript NM_004523.4 (MANE Select); coding-DNA position 2342, A replaced by G.
Protein change: p.Gln781Arg; replaces glutamine 781 with arginine.
Molecular consequence: missense variant.
Genome position (GRCh38, 1-based): chr10:92,645,437, A>G. VCF-style: chr10-92645437-A-G. GRCh37 (hg19) VCF-style: chr10-94405194-A-G.
Other names: short protein forms Q781R.
Identifiers: ClinVar variation 4882474 (VCV004882474.2).

ClinVar aggregate classification (germline): Uncertain significance (1 of 4 stars; one submission).

Conditions:
Microcephaly with or without chorioretinopathy, lymphedema, or impaired intellectual development. Also called: MICROCEPHALY, LYMPHEDEMA, CHORIORETINAL DYSPLASIA SYNDROME; Microcephaly lymphedema chorioretinal dysplasia; MICROCEPHALY AND CHORIORETINOPATHY WITH OR WITHOUT MENTAL RETARDATION, AUTOSOMAL DOMINANT; Microcephaly with or without chorioretinopathy, lymphedema, or mental retardation; Microcephaly with or without chorioretinopathy, lymphedema, or intellectual disability. Identifiers: Orphanet 2526, MedGen C1835265, MONDO:0007918, OMIM 152950.

gnomAD v4.1: 6 of 1,613,704 alleles (0.00037%); highest among the groups gnomAD compares: Non-Finnish European, 0.00051%; no homozygotes.

Submission:

Dasa
Classification: Uncertain significance for microcephaly with or without chorioretinopathy, lymphedema, or intellectual disability. Last evaluated: 2025-12-09. Review status: criteria provided, single submitter. Criteria: DASA Assertion Criteria. Collection method: clinical testing. Allele origin: germline.
Comment: NM_004523.4(KIF11):c.2342A>G (p.Gln781Arg) is a missense variant that results in the substitution of glutamine with arginine. This variant is rare in population databases. Computational prediction algorithms are consistent with a benign effect. The currently available literature and clinical evidence are not sufficient to establish a definitive association between this variant and the reported condition. Therefore, this variant is classified as a variant of uncertain significance.